The following is an entry in ClinVar:

NM_001164760.2(PRKAR1B):c.974-8A>C

Gene: PRKAR1B (protein kinase cAMP-dependent type I regulatory subunit beta; minus strand). Cytogenetic location: 7p22.3.
Variant type: single nucleotide variant.
Coding change: c.974-8A>C on transcript NM_001164760.2 (MANE Select); 8 bases into the intron before coding-DNA position 974, A replaced by C.
Molecular consequence: intron variant.
Genome position (GRCh38, 1-based): chr7:550,610, T>G on the plus strand (A>C on the coding strand, the complement: PRKAR1B is on the minus strand). VCF-style: chr7-550610-T-G. GRCh37 (hg19) VCF-style: chr7-590247-T-G.
Other names: p.?; c.974-8A>C (NM_001164759.1, NM_001164758.2, NM_001164761.2 and 3 more transcripts).
Identifiers: ClinVar variation 1209930 (VCV001209930.7), dbSNP rs28585978, ClinGen allele CA4109848.

ClinVar aggregate classification (germline): Benign. Review status: criteria provided, single submitter (1 of 4 stars). 4 submissions from 4 submitters: Benign (1). 3 of the submissions do not count toward it. Last evaluated 2022-03-23.

Conditions:
PRKAR1B-related disorder. Also called: PRKAR1B-related condition.

Allele frequency attached by ClinVar (database versions not stated): gnomAD 0.02207 and 0.02073; gnomAD exomes 0.00978 and 0.02199; 1000 Genomes Project 0.04852; ESP Exome Variant Server 0.01012; ExAC 0.02743; 1000 Genomes Project 30x 0.04403; TOPMed 0.02397.
gnomAD v4.1: 17,335 of 1,548,320 alleles (1.1%); highest among the groups gnomAD compares: East Asian, 18%; 870 homozygotes.

Submissions (4):

Mayo Clinic Laboratories, Mayo Clinic
Classification: Benign. Last evaluated: 2022-03-23. Review status: criteria provided, single submitter. Criteria: ACMG Guidelines, 2015. Collection method: clinical testing. Allele origin: germline. Observed: 15 variant alleles.

PreventionGenetics, part of Exact Sciences
Classification: Benign for PRKAR1B-related condition. Last evaluated: 2019-08-02. Review status: no assertion criteria provided. Collection method: clinical testing. Allele origin: germline. Not counted in ClinVar's aggregate classification.
Comment: This variant is classified as benign based on ACMG/AMP sequence variant interpretation guidelines (Richards et al. 2015 PMID: 25741868, with internal and published modifications).

Clinical Genetics DNA and cytogenetics Diagnostics Lab, Erasmus MC, Erasmus Medical Center
Classification: Benign. Review status: no assertion criteria provided. Collection method: clinical testing. Allele origin: germline. Affected: yes. Study: VKGL Data-share Consensus. Not counted in ClinVar's aggregate classification.

Genome Diagnostics Laboratory, Amsterdam University Medical Center
Classification: Benign. Review status: no assertion criteria provided. Collection method: clinical testing. Allele origin: germline. Affected: yes. Study: VKGL Data-share Consensus. Not counted in ClinVar's aggregate classification.